The following is an entry in ClinVar:

NM_198576.4(AGRN):c.3250+6C>T

Gene: AGRN (agrin; plus strand). Cytogenetic location: 1p36.33.
Variant type: single nucleotide variant.
Coding change: c.3250+6C>T on transcript NM_198576.4 (MANE Select); 6 bases into the intron after coding-DNA position 3250, C replaced by T.
Molecular consequence: intron variant.
Genome position (GRCh38, 1-based): chr1:1,046,741, C>T. VCF-style: chr1-1046741-C-T. GRCh37 (hg19) VCF-style: chr1-982121-C-T.
Other names: c.3250+6C>T (NM_001305275.2); c.2935+6C>T (NM_001364727.2).
Identifiers: ClinVar variation 851900 (VCV000851900.9), dbSNP rs1645107309, ClinGen allele CA916080220.

ClinVar aggregate classification (germline): Uncertain significance (1 of 4 stars; one submission).

Conditions:
Congenital myasthenic syndrome 8. Also called: MYASTHENIC SYNDROME, CONGENITAL, DUE TO AGRIN DEFICIENCY; Myasthenic syndrome, congenital, 8, with pre- and postsynaptic defects. Identifiers: Orphanet 590, MedGen C3808739, MONDO:0014052, OMIM 615120.

Submission:

Labcorp Genetics (formerly Invitae), Labcorp
Classification: Uncertain significance for Congenital myasthenic syndrome 8. Last evaluated: 2022-06-27. Review status: criteria provided, single submitter. Criteria: Invitae Variant Classification Sherloc (09022015). Collection method: clinical testing. Allele origin: germline.
Comment: This variant has not been reported in the literature in individuals affected with AGRN-related conditions. In summary, the available evidence is currently insufficient to determine the role of this variant in disease. Therefore, it has been classified as a Variant of Uncertain Significance. Variants that disrupt the consensus splice site are a relatively common cause of aberrant splicing (PMID: 17576681, 9536098). Algorithms developed to predict the effect of sequence changes on RNA splicing suggest that this variant may disrupt the consensus splice site. ClinVar contains an entry for this variant (Variation ID: 851900). This variant is not present in population databases (gnomAD no frequency). This sequence change falls in intron 18 of the AGRN gene. It does not directly change the encoded amino acid sequence of the AGRN protein. It affects a nucleotide within the consensus splice site.

Literature cited by the submitters: PubMed 17576681; PubMed 9536098.